The following is an entry in ClinVar:

ClinVar aggregate classification (germline): Benign. Review status: criteria provided, multiple submitters, no conflicts (2 of 4 stars). 2 submissions from 2 submitters: Benign (2). Last evaluated 2021-05-13.

Allele frequency attached by ClinVar (database versions not stated): ESP Exome Variant Server 0.75773; 1000 Genomes Project 30x 0.78732; 1000 Genomes Project 0.81430.
gnomAD v4.1: 1,225,086 of 1,536,942 alleles (80%); highest among the groups gnomAD compares: East Asian, 97%; 489,443 homozygotes.

Submissions (2):

GeneDx
Classification: Benign. Last evaluated: 2021-05-13. Review status: criteria provided, single submitter. Criteria: GeneDx Variant Classification Process June 2021. Collection method: clinical testing. Allele origin: germline. Affected: yes.
Comment: This variant is associated with the following publications: (PMID: 12716763, 24302629, 18349107)

Breakthrough Genomics
Classification: Benign. Review status: criteria provided, single submitter. Criteria: ACMG Guidelines, 2015. Collection method: not provided. Allele origin: germline. Inheritance: Autosomal dominant inheritance. Affected: yes.

NM_000603.5(NOS3):c.2324+28C>A

Gene: NOS3 (nitric oxide synthase 3; plus strand). Cytogenetic location: 7q36.1.
Variant type: single nucleotide variant.
Coding change: c.2324+28C>A on transcript NM_000603.5 (MANE Select); 28 bases into the intron after coding-DNA position 2324, C replaced by A.
Molecular consequence: intron variant.
Genome position (GRCh38, 1-based): chr7:151,009,295, C>A. VCF-style: chr7-151009295-C-A. GRCh37 (hg19) VCF-style: chr7-150706383-C-A.
Identifiers: ClinVar variation 1261436 (VCV001261436.3), dbSNP rs753482, ClinGen allele CA4567345.